The following is an entry in ClinVar:

ClinVar aggregate classification (germline): Uncertain significance (1 of 4 stars; one submission).

gnomAD v4.1: 120 of 1,463,610 alleles (0.0082%); highest among the groups gnomAD compares: East Asian, 0.003%; no homozygotes.

Submission:

Labcorp Genetics (formerly Invitae), Labcorp
Classification: Uncertain significance. Last evaluated: 2025-11-10. Review status: criteria provided, single submitter. Criteria: Invitae Variant Classification Sherloc (09022015). Collection method: clinical testing. Allele origin: germline.
Comment: This sequence change replaces glycine, which is neutral and non-polar, with aspartic acid, which is acidic and polar, at codon 20 of the FGF3 protein (p.Gly20Asp). This variant is present in population databases (rs782813347, gnomAD 0.2%). This variant has not been reported in the literature in individuals affected with FGF3-related conditions. ClinVar contains an entry for this variant (Variation ID: 3632903). An algorithm developed to predict the effect of missense changes on protein structure and function outputs the following: PolyPhen-2: "Not Available". The aspartic acid amino acid residue is found in multiple mammalian species, which suggests that this missense change does not adversely affect protein function. In summary, the available evidence is currently insufficient to determine the role of this variant in disease. Therefore, it has been classified as a Variant of Uncertain Significance.

NM_005247.4(FGF3):c.59G>A (p.Gly20Asp)

Genes: FGF3 (fibroblast growth factor 3; minus strand), LOC109115964 (FGF3 5' regulatory region; plus strand). Cytogenetic location: 11q13.3.
Variant type: single nucleotide variant.
Coding change: c.59G>A on transcript NM_005247.4 (MANE Select); coding-DNA position 59, G replaced by A.
Protein change: p.Gly20Asp; replaces glycine 20 with aspartic acid.
Molecular consequence: missense variant.
Genome position (GRCh38, 1-based): chr11:69,818,875, C>T on the plus strand (G>A on the coding strand, the complement: FGF3 is on the minus strand). VCF-style: chr11-69818875-C-T. GRCh37 (hg19) VCF-style: chr11-69633643-C-T.
Other names: short protein forms G20D.
Identifiers: ClinVar variation 3632903 (VCV003632903.2).
Genomic context (GRCh38, chr11:69,818,875, plus strand): 5'-CCAAGGTGCTCGTAGACGCCGCCACGGCCGCCCGCATCGCGCCGCAACCGCGCCCCAGGG[C>T]CCGCTGCGGGCCAGCCGGGCTCCAGCAGGCTGAGCAGTAGCAGCCAGATTAGGCCCATCG-3'
Protein context (NP_005238.1, residues 10-30): SLLEPGWPAA[Gly20Asp]PGARLRRDAG